The following is an entry in ClinVar:

ClinVar aggregate classification (germline): Uncertain significance (1 of 4 stars; one submission).

Submission:

Ambry Genetics
Classification: Uncertain significance. Last evaluated: 2024-06-10. Review status: criteria provided, single submitter. Criteria: Ambry Variant Classification Scheme 2023. Collection method: clinical testing. Allele origin: germline.
Comment: The p.S375Y variant (also known as c.1124C>A), located in coding exon 10 of the BUB1 gene, results from a C to A substitution at nucleotide position 1124. The serine at codon 375 is replaced by tyrosine, an amino acid with dissimilar properties. This amino acid position is conserved. In addition, this alteration is predicted to be tolerated by in silico analysis. Based on the available evidence, the clinical significance of this variant remains unclear.

NM_004336.5(BUB1):c.1124C>A (p.Ser375Tyr)

Gene: BUB1 (BUB1 mitotic checkpoint serine/threonine kinase; minus strand). Cytogenetic location: 2q13.
Variant type: single nucleotide variant.
Coding change: c.1124C>A on transcript NM_004336.5 (MANE Select); coding-DNA position 1124, C replaced by A.
Protein change: p.Ser375Tyr; replaces serine 375 with tyrosine.
Molecular consequence: missense variant.
Genome position (GRCh38, 1-based): chr2:110,661,675, G>T on the plus strand (C>A on the coding strand, the complement: BUB1 is on the minus strand). VCF-style: chr2-110661675-G-T. GRCh37 (hg19) VCF-style: chr2-111419252-G-T.
Other names: c.1064C>A, p.Ser355Tyr (NM_001278616.2); c.1124C>A, p.Ser375Tyr (NM_001278617.2); short protein forms S355Y, S375Y.
Identifiers: ClinVar variation 3262120 (VCV003262120.1).